The following is an entry in ClinVar:

NM_006648.4(WNK2):c.5053C>T (p.Arg1685Cys)

Gene: WNK2 (WNK lysine deficient protein kinase 2; plus strand). Cytogenetic location: 9q22.31.
Variant type: single nucleotide variant.
Coding change: c.5053C>T on transcript NM_006648.4 (MANE Select); coding-DNA position 5053, C replaced by T.
Protein change: p.Arg1685Cys; replaces arginine 1685 with cysteine.
Molecular consequence: missense variant.
Genome position (GRCh38, 1-based): chr9:93,292,518, C>T. VCF-style: chr9-93292518-C-T. GRCh37 (hg19) VCF-style: chr9-96054800-C-T.
Other names: c.5164C>T, p.Arg1722Cys (NM_001282394.3); short protein forms R1722C, R1685C.
Identifiers: ClinVar variation 3470318 (VCV003470318.1).

ClinVar aggregate classification (germline): Uncertain significance (1 of 4 stars; one submission).

gnomAD v4.1: 507 of 1,585,942 alleles (0.032%); highest among the groups gnomAD compares: South Asian, 0.54%; 3 homozygotes.

Submission:

Ambry Genetics
Classification: Uncertain significance. Last evaluated: 2024-11-22. Review status: criteria provided, single submitter. Criteria: Ambry Variant Classification Scheme 2023. Collection method: clinical testing. Allele origin: germline.
Comment: The p.R1685C variant (also known as c.5053C>T), located in coding exon 22 of the WNK2 gene, results from a C to T substitution at nucleotide position 5053. The arginine at codon 1685 is replaced by cysteine, an amino acid with highly dissimilar properties. This amino acid position is conserved. In addition, this alteration is predicted to be tolerated by in silico analysis. Based on the available evidence, the clinical significance of this variant remains unclear.